The following is an entry in ClinVar:

ClinVar aggregate classification (germline): Uncertain significance. Review status: criteria provided, multiple submitters, no conflicts (2 of 4 stars). 2 submissions from 2 submitters: Uncertain significance (2). Last evaluated 2026-09-14.

Conditions:
Cardiovascular phenotype. Identifiers: MedGen CN230736.
Hereditary cancer-predisposing syndrome. Also called: Hereditary Cancer Syndrome; Hereditary neoplastic syndrome; Neoplastic Syndromes, Hereditary; Tumor predisposition. Identifiers: Orphanet 140162, MedGen C0027672, MeSH D009386, MONDO:0015356.

gnomAD v4.1: 1 of 1,613,598 alleles (0.000062%); no homozygotes.

Submissions (2):

Ambry Genetics
Classification: Uncertain significance for Cardiovascular phenotype; Hereditary cancer-predisposing syndrome. Last evaluated: 2026-09-14. Review status: criteria provided, single submitter. Criteria: Ambry Variant Classification Scheme 2023. Collection method: clinical testing. Allele origin: germline.
Comment: The p.M713L variant (also known as c.2137A>C), located in coding exon 18 of the LZTR1 gene, results from an A to C substitution at nucleotide position 2137. The methionine at codon 713 is replaced by leucine, an amino acid with highly similar properties. This amino acid position is conserved. In addition, the in silico prediction for this alteration is inconclusive. Based on the available evidence, the clinical significance of this variant remains unclear.

Labcorp Genetics (formerly Invitae), Labcorp
Classification: Uncertain significance. Last evaluated: 2024-01-24. Review status: criteria provided, single submitter. Criteria: Invitae Variant Classification Sherloc (09022015). Collection method: clinical testing. Allele origin: germline.
Comment: This sequence change replaces methionine, which is neutral and non-polar, with leucine, which is neutral and non-polar, at codon 713 of the LZTR1 protein (p.Met713Leu). This variant is not present in population databases (gnomAD no frequency). This variant has not been reported in the literature in individuals affected with LZTR1-related conditions. Advanced modeling of protein sequence and biophysical properties (such as structural, functional, and spatial information, amino acid conservation, physicochemical variation, residue mobility, and thermodynamic stability) performed at Invitae indicates that this missense variant is not expected to disrupt LZTR1 protein function with a negative predictive value of 80%. In summary, the available evidence is currently insufficient to determine the role of this variant in disease. Therefore, it has been classified as a Variant of Uncertain Significance.

NM_006767.4(LZTR1):c.2137A>C (p.Met713Leu)

Gene: LZTR1 (leucine zipper like post translational regulator 1; plus strand). Cytogenetic location: 22q11.21.
Variant type: single nucleotide variant.
Coding change: c.2137A>C on transcript NM_006767.4 (MANE Select); coding-DNA position 2137, A replaced by C.
Protein change: p.Met713Leu; replaces methionine 713 with leucine.
Molecular consequence: missense variant.
Genome position (GRCh38, 1-based): chr22:20,996,030, A>C. VCF-style: chr22-20996030-A-C. GRCh37 (hg19) VCF-style: chr22-21350319-A-C.
Other names: c.2137A>C (NM_006767.3); short protein forms M713L.
Identifiers: ClinVar variation 2885601 (VCV002885601.4), dbSNP rs1400606234, ClinGen allele CA410779522.